The following is an entry in ClinVar:

NM_006904.7(PRKDC):c.11930C>T (p.Thr3977Met)

Gene: PRKDC (protein kinase, DNA-activated, catalytic subunit; minus strand). Cytogenetic location: 8q11.21.
Variant type: single nucleotide variant.
Coding change: c.11930C>T on transcript NM_006904.7 (MANE Select); coding-DNA position 11930, C replaced by T.
Protein change: p.Thr3977Met; replaces threonine 3977 with methionine.
Molecular consequence: missense variant.
Genome position (GRCh38, 1-based): chr8:47,777,798, G>A on the plus strand (C>T on the coding strand, the complement: PRKDC is on the minus strand). VCF-style: chr8-47777798-G-A. GRCh37 (hg19) VCF-style: chr8-48690359-G-A.
Other names: c.11837C>T, p.Thr3946Met (NM_001081640.2); short protein forms T3946M, T3977M.
Identifiers: ClinVar variation 1302297 (VCV001302297.6), dbSNP rs200248112, ClinGen allele CA4738952.

ClinVar aggregate classification (germline): Uncertain significance. Review status: criteria provided, multiple submitters, no conflicts (2 of 4 stars). 2 submissions from 2 submitters: Uncertain significance (2). Last evaluated 2022-08-08.

Conditions:
Severe combined immunodeficiency due to DNA-PKcs deficiency. Also called: IMMUNODEFICIENCY 26 WITH NEUROLOGIC ABNORMALITIES; Immunodeficiency 26 with or without neurologic abnormalities. Identifiers: Orphanet 317425, MedGen C4014833, MONDO:0014423, OMIM 615966.

Allele frequency attached by ClinVar (database versions not stated): gnomAD exomes below 0.00001 and 0.00001; ExAC 0.00002.
gnomAD v4.1: 4 of 1,613,968 alleles (0.00025%); highest among the groups gnomAD compares: East Asian, 0.0022%; no homozygotes.

Submissions (2):

Labcorp Genetics (formerly Invitae), Labcorp
Classification: Uncertain significance for Severe combined immunodeficiency due to DNA-PKcs deficiency. Last evaluated: 2022-08-08. Review status: criteria provided, single submitter. Criteria: Invitae Variant Classification Sherloc (09022015). Collection method: clinical testing. Allele origin: germline.
Comment: This variant has not been reported in the literature in individuals affected with PRKDC-related conditions. In summary, the available evidence is currently insufficient to determine the role of this variant in disease. Therefore, it has been classified as a Variant of Uncertain Significance. Experimental studies and prediction algorithms are not available or were not evaluated, and the functional significance of this variant is currently unknown. ClinVar contains an entry for this variant (Variation ID: 1302297). This variant is present in population databases (rs200248112, gnomAD 0.006%). This sequence change replaces threonine, which is neutral and polar, with methionine, which is neutral and non-polar, at codon 3977 of the PRKDC protein (p.Thr3977Met).

GeneDx
Classification: Uncertain significance. Last evaluated: 2019-07-11. Review status: criteria provided, single submitter. Criteria: GeneDx Variant Classification Process June 2021. Collection method: clinical testing. Allele origin: germline. Affected: yes.
Comment: In silico analysis, which includes protein predictors and evolutionary conservation, supports that this variant does not alter protein structure/function; Has not been previously published as pathogenic or benign to our knowledge